The following is an entry in ClinVar:

ClinVar aggregate classification (germline): Uncertain significance (1 of 4 stars; one submission).

Conditions:
Catecholaminergic polymorphic ventricular tachycardia 1. Also called: VENTRICULAR TACHYCARDIA, STRESS-INDUCED POLYMORPHIC 1; VENTRICULAR TACHYCARDIA, CATECHOLAMINERGIC POLYMORPHIC, 1, WITH OR WITHOUT ATRIAL DYSFUNCTION AND/OR DILATED CARDIOMYOPATHY; RYR2-Related Catecholaminergic Polymorphic Ventricular Tachycardia. Identifiers: Orphanet 3286, MedGen C1631597, MONDO:0011484, OMIM 604772.

Submission:

Labcorp Genetics (formerly Invitae), Labcorp
Classification: Uncertain significance for Catecholaminergic polymorphic ventricular tachycardia 1. Last evaluated: 2025-11-05. Review status: criteria provided, single submitter. Criteria: Invitae Variant Classification Sherloc (09022015). Collection method: clinical testing. Allele origin: germline.
Comment: This sequence change replaces glutamic acid, which is acidic and polar, with lysine, which is basic and polar, at codon 1860 of the RYR2 protein (p.Glu1860Lys). This variant is not present in population databases (gnomAD no frequency). This variant has not been reported in the literature in individuals affected with RYR2-related conditions. Invitae Evidence Modeling of protein sequence and biophysical properties (such as structural, functional, and spatial information, amino acid conservation, physicochemical variation, residue mobility, and thermodynamic stability) indicates that this missense variant is not expected to disrupt RYR2 protein function with a negative predictive value of 95%. In summary, the available evidence is currently insufficient to determine the role of this variant in disease. Therefore, it has been classified as a Variant of Uncertain Significance.

NM_001035.3(RYR2):c.5578G>A (p.Glu1860Lys)

Gene: RYR2 (ryanodine receptor 2; plus strand). Cytogenetic location: 1q43.
Variant type: single nucleotide variant.
Coding change: c.5578G>A on transcript NM_001035.3 (MANE Select); coding-DNA position 5578, G replaced by A.
Protein change: p.Glu1860Lys; replaces glutamic acid 1860 with lysine.
Molecular consequence: missense variant.
Genome position (GRCh38, 1-based): chr1:237,614,706, G>A. VCF-style: chr1-237614706-G-A. GRCh37 (hg19) VCF-style: chr1-237778006-G-A.
Other names: short protein forms E1860K.
Identifiers: ClinVar variation 4804345 (VCV004804345.1).